The following is an entry in ClinVar:

NM_001999.4(FBN2):c.209T>A (p.Val70Glu)

Gene: FBN2 (fibrillin 2; minus strand). Cytogenetic location: 5q23.3.
Variant type: single nucleotide variant.
Coding change: c.209T>A on transcript NM_001999.4 (MANE Select); coding-DNA position 209, T replaced by A.
Protein change: p.Val70Glu; replaces valine 70 with glutamic acid.
Molecular consequence: missense variant.
Genome position (GRCh38, 1-based): chr5:128,537,395, A>T on the plus strand (T>A on the coding strand, the complement: FBN2 is on the minus strand). VCF-style: chr5-128537395-A-T. GRCh37 (hg19) VCF-style: chr5-127873088-A-T.
Other names: short protein forms V70E.
Identifiers: ClinVar variation 2052398 (VCV002052398.4), dbSNP rs144149249, ClinGen allele CA360762038.

ClinVar aggregate classification (germline): Uncertain significance (1 of 4 stars; one submission).

Conditions:
Congenital contractural arachnodactyly (CCA). Also called: Arthrogryposis, distal, type 9; Beals-Hecht syndrome; BEALS SYNDROME. Identifiers: Orphanet 115, MedGen C0220668, MONDO:0007363, OMIM 121050.

Submission:

Labcorp Genetics (formerly Invitae), Labcorp
Classification: Uncertain significance for Congenital contractural arachnodactyly. Last evaluated: 2022-03-04. Review status: criteria provided, single submitter. Criteria: Invitae Variant Classification Sherloc (09022015). Collection method: clinical testing. Allele origin: germline.
Comment: This variant is not present in population databases (gnomAD no frequency). In summary, the available evidence is currently insufficient to determine the role of this variant in disease. Therefore, it has been classified as a Variant of Uncertain Significance. Advanced modeling of protein sequence and biophysical properties (such as structural, functional, and spatial information, amino acid conservation, physicochemical variation, residue mobility, and thermodynamic stability) performed at Invitae indicates that this missense variant is not expected to disrupt FBN2 protein function. This variant has not been reported in the literature in individuals affected with FBN2-related conditions. This sequence change replaces valine, which is neutral and non-polar, with glutamic acid, which is acidic and polar, at codon 70 of the FBN2 protein (p.Val70Glu).